The following is an entry in ClinVar:

ClinVar aggregate classification (germline): Uncertain significance. Review status: criteria provided, multiple submitters, no conflicts (2 of 4 stars). 2 submissions from 2 submitters: Uncertain significance (2). Last evaluated 2023-07-10.

Conditions:
Hereditary cancer-predisposing syndrome. Also called: Neoplastic Syndromes, Hereditary; Tumor predisposition; Hereditary neoplastic syndrome; Hereditary Cancer Syndrome. Identifiers: Orphanet 140162, MedGen C0027672, MeSH D009386, MONDO:0015356.

Submissions (2):

Color Diagnostics, LLC DBA Color Health
Classification: Uncertain significance for Hereditary cancer-predisposing syndrome. Last evaluated: 2023-07-10. Review status: criteria provided, single submitter. Criteria: ACMG Guidelines, 2015. Collection method: clinical testing. Allele origin: germline.
Comment: This missense variant replaces arginine with leucine at codon 2549 of the APC protein. Computational prediction is inconclusive regarding the impact of this variant on protein structure and function (internally defined REVEL score threshold 0.5 < inconclusive < 0.7, PMID: 27666373). To our knowledge, functional studies have not been reported for this variant. This variant has not been reported in individuals affected with APC-related disorders in the literature. This variant has not been identified in the general population by the Genome Aggregation Database (gnomAD). The available evidence is insufficient to determine the role of this variant in disease conclusively. Therefore, this variant is classified as a Variant of Uncertain Significance.

Ambry Genetics
Classification: Uncertain significance for Hereditary cancer-predisposing syndrome. Last evaluated: 2019-09-30. Review status: criteria provided, single submitter. Criteria: Ambry Variant Classification Scheme 2023. Collection method: clinical testing. Allele origin: germline.
Comment: The p.R2549L variant (also known as c.7646G>T), located in coding exon 15 of the APC gene, results from a G to T substitution at nucleotide position 7646. The arginine at codon 2549 is replaced by leucine, an amino acid with dissimilar properties. This amino acid position is highly conserved in available vertebrate species. In addition, in silico predictors for this gene do not accurately predict pathogenicity. Since supporting evidence is limited at this time, the clinical significance of this alteration remains unclear.

NM_000038.6(APC):c.7646G>T (p.Arg2549Leu)

Gene: APC (APC regulator of Wnt signaling pathway; plus strand). Cytogenetic location: 5q22.2.
Variant type: single nucleotide variant.
Coding change: c.7646G>T on transcript NM_000038.6 (MANE Select); coding-DNA position 7646, G replaced by T.
Protein change: p.Arg2549Leu; replaces arginine 2549 with leucine.
Molecular consequence: missense variant.
Genome position (GRCh38, 1-based): chr5:112,843,240, G>T. VCF-style: chr5-112843240-G-T. GRCh37 (hg19) VCF-style: chr5-112178937-G-T.
Other names: c.7646G>T, p.Arg2549Leu (NM_001127510.3, NM_001354895.2); c.7592G>T, p.Arg2531Leu (NM_001127511.3); c.7700G>T, p.Arg2567Leu (NM_001354896.2); c.7676G>T, p.Arg2559Leu (NM_001354897.2); c.7571G>T, p.Arg2524Leu (NM_001354898.2); c.7562G>T, p.Arg2521Leu (NM_001354899.2); c.7523G>T, p.Arg2508Leu (NM_001354900.2); c.7469G>T, p.Arg2490Leu (NM_001354901.2); and 5 more; short protein forms R2389L, R2448L, R2521L, R2266L, R2490L, R2508L, R2531L, R2567L.
Identifiers: ClinVar variation 827171 (VCV000827171.5), dbSNP rs199558585, ClinGen allele CA16037941.